The following is an entry in ClinVar:

ClinVar aggregate classification (germline): Pathogenic (1 of 4 stars; one submission).

Conditions:
Familial cancer of breast. Also called: hereditary breast carcinoma; BREAST CANCER, FAMILIAL; Hereditary breast cancer. Identifiers: Orphanet 227535, MedGen C0346153, MONDO:0016419, OMIM 114480. Disease mechanism: loss of function.

Submission:

Labcorp Genetics (formerly Invitae), Labcorp
Classification: Pathogenic for Familial cancer of breast. Last evaluated: 2022-03-11. Review status: criteria provided, single submitter. Criteria: Invitae Variant Classification Sherloc (09022015). Collection method: clinical testing. Allele origin: germline.
Comment: For these reasons, this variant has been classified as Pathogenic. This variant has not been reported in the literature in individuals affected with BARD1-related conditions. This variant is not present in population databases (gnomAD no frequency). This sequence change creates a premature translational stop signal (p.Cys78*) in the BARD1 gene. It is expected to result in an absent or disrupted protein product. Loss-of-function variants in BARD1 are known to be pathogenic (PMID: 20077502, 21344236).

Literature cited by the submitters: PubMed 20077502; PubMed 21344236.

NM_000465.4(BARD1):c.234C>A (p.Cys78Ter)

Gene: BARD1 (BRCA1 associated RING domain 1; minus strand). Cytogenetic location: 2q35.
Variant type: single nucleotide variant.
Coding change: c.234C>A on transcript NM_000465.4 (MANE Select); coding-DNA position 234, C replaced by A.
Protein change: p.Cys78Ter; replaces cysteine 78 with a stop codon.
Molecular consequence: nonsense. On other transcripts: non-coding transcript variant (1), intron variant (2).
Genome position (GRCh38, 1-based): chr2:214,792,427, G>T on the plus strand (C>A on the coding strand, the complement: BARD1 is on the minus strand). VCF-style: chr2-214792427-G-T. GRCh37 (hg19) VCF-style: chr2-215657151-G-T.
Other names: c.177C>A, p.Cys59Ter (NM_001282543.2); c.234C>A, p.Cys78Ter (NM_001282549.2); c.158+16985C>A (NM_001282548.2); c.215+4634C>A (NM_001282545.2); short protein forms C59*, C78*.
Identifiers: ClinVar variation 2108974 (VCV002108974.4), dbSNP rs2106135360, ClinGen allele CA350461282.